The following is an entry in ClinVar:

ClinVar aggregate classification (germline): Likely benign. Review status: criteria provided, multiple submitters, no conflicts (2 of 4 stars). 4 submissions from 4 submitters: Likely benign (3). 1 of the submissions does not count toward it. Last evaluated 2026-01-27.

Conditions:
Atrioventricular septal defect 4 (AVSD4). Identifiers: MedGen C3280781, MONDO:0013747, OMIM 614430.
GATA4-related disorder. Also called: GATA4-related condition. Identifiers: MedGen CN860321.

Allele frequency attached by ClinVar (database versions not stated): TOPMed 0.00007; gnomAD exomes 0.00008 and 0.00021; ExAC 0.00014; ESP Exome Variant Server 0.00015; gnomAD 0.00019; 1000 Genomes Project 0.00040; 1000 Genomes Project 30x 0.00047.
gnomAD v4.1: 146 of 1,614,148 alleles (0.009%); highest among the groups gnomAD compares: East Asian, 0.027%; no homozygotes.

Submissions (4):

Labcorp Genetics (formerly Invitae), Labcorp
Classification: Likely benign for Atrioventricular septal defect 4. Last evaluated: 2026-01-27. Review status: criteria provided, single submitter. Criteria: Invitae Variant Classification Sherloc (09022015). Collection method: clinical testing. Allele origin: germline.

Laboratory of Genetics, Children's Clinical University Hospital Latvia
Classification: Likely benign. Last evaluated: 2025-02-16. Review status: criteria provided, single submitter. Criteria: ACMG Guidelines, 2015. Collection method: clinical testing. Allele origin: germline. Affected: yes.

Blueprint Genetics
Classification: Likely benign. Last evaluated: 2024-10-30. Review status: criteria provided, single submitter. Criteria: ACMG Guidelines, 2015. Collection method: clinical testing. Allele origin: germline.

PreventionGenetics, part of Exact Sciences
Classification: Likely benign for GATA4-related condition. Last evaluated: 2023-09-18. Review status: no assertion criteria provided. Collection method: clinical testing. Allele origin: germline. Not counted in ClinVar's aggregate classification.
Comment: This variant is classified as likely benign based on ACMG/AMP sequence variant interpretation guidelines (Richards et al. 2015 PMID: 25741868, with internal and published modifications).

NM_001308093.3(GATA4):c.1126G>A (p.Gly376Arg)

Gene: GATA4 (GATA binding protein 4). Cytogenetic location: 8p23.1.
Variant type: single nucleotide variant.
Coding change: c.1126G>A on transcript NM_001308093.3 (MANE Select); coding-DNA position 1126, G replaced by A.
Protein change: p.Gly376Arg; replaces glycine 376 with arginine.
Molecular consequence: missense variant.
Genome position (GRCh38, 1-based): chr8:11,757,060, G>A. VCF-style: chr8-11757060-G-A. GRCh37 (hg19) VCF-style: chr8-11614569-G-A.
Other names: c.1123G>A (NM_002052.4); c.505G>A, p.Gly169Arg (NM_001308094.2, NM_001374273.1); c.379G>A, p.Gly127Arg (NM_001374274.1); c.1123G>A, p.Gly375Arg (NM_002052.5); short protein forms G375R, G376R, G127R, G169R.
Identifiers: ClinVar variation 699257 (VCV000699257.15), dbSNP rs149872786, ClinGen allele CA4630836.
Genomic context (GRCh38, chr8:11,757,060, plus strand): 5'-ACCAGCAGCAGCGAGGAGATGCGTCCCATCAAGACGGAGCCTGGCCTGTCATCTCACTAC[G>A]GGCACAGCAGCTCCGTGTCCCAGGTACGCGCCATGGCTGGGGCGCCAGGGCTGTTTGTGG-3'
Protein context (NP_001295022.1, residues 366-386): KTEPGLSSHY[Gly376Arg]HSSSVSQTFS